The following is an entry in ClinVar:

ClinVar aggregate classification (germline): Uncertain significance (1 of 4 stars; one submission).

Conditions:
Epileptic encephalopathy. Identifiers: MedGen C0543888, HP:0200134.

gnomAD v4.1: 9 of 1,609,726 alleles (0.00056%); highest among the groups gnomAD compares: African/African-American, 0.0067%; no homozygotes.

Submission:

Labcorp Genetics (formerly Invitae), Labcorp
Classification: Uncertain significance for Epileptic encephalopathy. Last evaluated: 2025-12-08. Review status: criteria provided, single submitter. Criteria: Invitae Variant Classification Sherloc (09022015). Collection method: clinical testing. Allele origin: germline.
Comment: This sequence change replaces isoleucine, which is neutral and non-polar, with phenylalanine, which is neutral and non-polar, at codon 1956 of the FASN protein (p.Ile1956Phe). This variant is present in population databases (rs745385749, gnomAD 0.009%). This variant has not been reported in the literature in individuals affected with FASN-related conditions. ClinVar contains an entry for this variant (Variation ID: 3712806). An algorithm developed to predict the effect of missense changes on protein structure and function (PolyPhen-2) suggests that this variant is likely to be disruptive. In summary, the available evidence is currently insufficient to determine the role of this variant in disease. Therefore, it has been classified as a Variant of Uncertain Significance.

NM_004104.5(FASN):c.5866A>T (p.Ile1956Phe)

Gene: FASN (fatty acid synthase; minus strand). Cytogenetic location: 17q25.3.
Variant type: single nucleotide variant.
Coding change: c.5866A>T on transcript NM_004104.5 (MANE Select); coding-DNA position 5866, A replaced by T.
Protein change: p.Ile1956Phe; replaces isoleucine 1956 with phenylalanine.
Molecular consequence: missense variant.
Genome position (GRCh38, 1-based): chr17:82,082,580, T>A on the plus strand (A>T on the coding strand, the complement: FASN is on the minus strand). VCF-style: chr17-82082580-T-A. GRCh37 (hg19) VCF-style: chr17-80040456-T-A.
Other names: short protein forms I1956F.
Identifiers: ClinVar variation 3712806 (VCV003712806.2).